The following is an entry in ClinVar:

NM_001365951.3(KIF1B):c.2512C>T (p.His838Tyr)

Gene: KIF1B (kinesin family member 1B; plus strand). Cytogenetic location: 1p36.22.
Variant type: single nucleotide variant.
Coding change: c.2512C>T on transcript NM_001365951.3 (MANE Select); coding-DNA position 2512, C replaced by T.
Protein change: p.His838Tyr; replaces histidine 838 with tyrosine.
Molecular consequence: missense variant.
Genome position (GRCh38, 1-based): chr1:10,324,037, C>T. VCF-style: chr1-10324037-C-T. GRCh37 (hg19) VCF-style: chr1-10384095-C-T.
Other names: c.2512C>T, p.His838Tyr (NM_001365952.1); c.2374C>T, p.His792Tyr (NM_015074.3); short protein forms H792Y, H838Y.
Identifiers: ClinVar variation 2448192 (VCV002448192.3), dbSNP rs2521623324, ClinGen allele CA338335085.

ClinVar aggregate classification (germline): Uncertain significance (1 of 4 stars; one submission).

Allele frequency attached by ClinVar (database versions not stated): gnomAD exomes below 0.00001.
gnomAD v4.1: 2 of 1,614,122 alleles (0.00012%); highest among the groups gnomAD compares: South Asian, 0.0022%; no homozygotes.

Submission:

Ambry Genetics
Classification: Uncertain significance. Last evaluated: 2025-10-14. Review status: criteria provided, single submitter. Criteria: Ambry Variant Classification Scheme 2023. Collection method: clinical testing. Allele origin: germline.
Comment: The p.H792Y variant (also known as c.2374C>T), located in coding exon 22 of the KIF1B gene, results from a C to T substitution at nucleotide position 2374. The histidine at codon 792 is replaced by tyrosine, an amino acid with similar properties. This amino acid position is conserved. In addition, this alteration is predicted to be deleterious by in silico analysis. Since supporting evidence is limited at this time, the clinical significance of this alteration remains unclear.